The following is an entry in ClinVar:

NM_031935.3(HMCN1):c.11822G>A (p.Gly3941Glu)

Gene: HMCN1 (hemicentin 1; plus strand). Cytogenetic location: 1q31.1.
Variant type: single nucleotide variant.
Coding change: c.11822G>A on transcript NM_031935.3 (MANE Select); coding-DNA position 11822, G replaced by A.
Protein change: p.Gly3941Glu; replaces glycine 3941 with glutamic acid.
Molecular consequence: missense variant.
Genome position (GRCh38, 1-based): chr1:186,117,597, G>A. VCF-style: chr1-186117597-G-A. GRCh37 (hg19) VCF-style: chr1-186086729-G-A.
Other names: c.11822G>A (NM_031935.2); short protein forms G3941E.
Identifiers: ClinVar variation 1999753 (VCV001999753.5), dbSNP rs759081634, ClinGen allele CA1294158.

ClinVar aggregate classification (germline): Uncertain significance. Review status: criteria provided, multiple submitters, no conflicts (2 of 4 stars). 2 submissions from 2 submitters: Uncertain significance (2). Last evaluated 2025-08-08.

Allele frequency attached by ClinVar (database versions not stated): ExAC 0.00001; TOPMed 0.00002.
gnomAD v4.1: 5 of 1,613,806 alleles (0.00031%); highest among the groups gnomAD compares: East Asian, 0.0089%; no homozygotes.

Submissions (2):

Ambry Genetics
Classification: Uncertain significance. Last evaluated: 2025-08-08. Review status: criteria provided, single submitter. Criteria: Ambry Variant Classification Scheme 2023. Collection method: clinical testing. Allele origin: germline.

Labcorp Genetics (formerly Invitae), Labcorp
Classification: Uncertain significance. Last evaluated: 2022-09-30. Review status: criteria provided, single submitter. Criteria: Invitae Variant Classification Sherloc (09022015). Collection method: clinical testing. Allele origin: germline.
Comment: This variant has not been reported in the literature in individuals affected with HMCN1-related conditions. This variant is present in population databases (rs759081634, gnomAD 0.02%). This sequence change replaces glycine, which is neutral and non-polar, with glutamic acid, which is acidic and polar, at codon 3941 of the HMCN1 protein (p.Gly3941Glu). In summary, the available evidence is currently insufficient to determine the role of this variant in disease. Therefore, it has been classified as a Variant of Uncertain Significance. Algorithms developed to predict the effect of missense changes on protein structure and function (SIFT, PolyPhen-2, Align-GVGD) all suggest that this variant is likely to be tolerated.